The following is an entry in ClinVar:

NM_000337.6(SGCD):c.*1112G>A

Gene: SGCD (sarcoglycan delta; plus strand). Cytogenetic location: 5q33.3.
Variant type: single nucleotide variant.
Coding change: c.*1112G>A on transcript NM_000337.6 (MANE Select); 1112 bases downstream of the stop codon, G replaced by A.
Molecular consequence: 3 prime UTR variant.
Genome position (GRCh38, 1-based): chr5:156,760,502, G>A. VCF-style: chr5-156760502-G-A. GRCh37 (hg19) VCF-style: chr5-156187513-G-A.
Other names: c.*1112G>A (NM_001128209.2).
Identifiers: ClinVar variation 352350 (VCV000352350.6), dbSNP rs566338494, ClinGen allele CA10621030.

ClinVar aggregate classification (germline): Likely benign (1 of 4 stars; one submission).

Conditions:
Qualitative or quantitative defects of delta-sarcoglycan. Identifiers: Orphanet 207070, MedGen C5680806, MONDO:0016144.

Allele frequency attached by ClinVar (database versions not stated): gnomAD 0.00199 and 0.00205; TOPMed 0.00224; 1000 Genomes Project 30x 0.00312; 1000 Genomes Project 0.00319.

Submission:

Illumina Laboratory Services, Illumina
Classification: Likely benign for Qualitative or quantitative defects of delta-sarcoglycan. Last evaluated: 2018-01-12. Review status: criteria provided, single submitter. Criteria: ICSL Variant Classification Criteria 13 December 2019. Collection method: clinical testing. Allele origin: germline.
Comment: This variant was observed in the ICSL laboratory as part of a predisposition screen in an ostensibly healthy population. It had not been previously curated by ICSL or reported in the Human Gene Mutation Database (HGMD: prior to June 1st, 2018), and was therefore a candidate for classification through an automated scoring system. Utilizing variant allele frequency, disease prevalence and penetrance estimates, and inheritance mode, an automated score was calculated to assess if this variant is too frequent to cause the disease. Based on the score and internal cut-off values, a variant classified as likely benign is not then subjected to further curation. The score for this variant resulted in a classification of likely benign for this disease.